The following is an entry in ClinVar:

ClinVar aggregate classification (germline): Uncertain significance (1 of 4 stars; one submission).

Allele frequency attached by ClinVar (database versions not stated): gnomAD exomes below 0.00001.
gnomAD v4.1: 1 of 1,580,422 alleles (0.000063%); highest among the groups gnomAD compares: Non-Finnish European, 0.000086%; no homozygotes.

Submission:

Labcorp Genetics (formerly Invitae), Labcorp
Classification: Uncertain significance. Last evaluated: 2025-02-10. Review status: criteria provided, single submitter. Criteria: Invitae Variant Classification Sherloc (09022015). Collection method: clinical testing. Allele origin: germline.
Comment: This sequence change replaces proline, which is neutral and non-polar, with arginine, which is basic and polar, at codon 10 of the CACNA2D4 protein (p.Pro10Arg). This variant is not present in population databases (gnomAD no frequency). This variant has not been reported in the literature in individuals affected with CACNA2D4-related conditions. ClinVar contains an entry for this variant (Variation ID: 1346672). An algorithm developed to predict the effect of missense changes on protein structure and function outputs the following: PolyPhen-2: "Benign". The arginine amino acid residue is found in multiple mammalian species, which suggests that this missense change does not adversely affect protein function. In summary, the available evidence is currently insufficient to determine the role of this variant in disease. Therefore, it has been classified as a Variant of Uncertain Significance.

NM_172364.5(CACNA2D4):c.29C>G (p.Pro10Arg)

Gene: CACNA2D4 (calcium voltage-gated channel auxiliary subunit alpha2delta 4; minus strand). Cytogenetic location: 12p13.33.
Variant type: single nucleotide variant.
Coding change: c.29C>G on transcript NM_172364.5 (MANE Select); coding-DNA position 29, C replaced by G.
Protein change: p.Pro10Arg; replaces proline 10 with arginine.
Molecular consequence: missense variant.
Genome position (GRCh38, 1-based): chr12:1,918,445, G>C on the plus strand (C>G on the coding strand, the complement: CACNA2D4 is on the minus strand). VCF-style: chr12-1918445-G-C. GRCh37 (hg19) VCF-style: chr12-2027611-G-C.
Other names: short protein forms P10R.
Identifiers: ClinVar variation 1346672 (VCV001346672.6), dbSNP rs1330311725, ClinGen allele CA383366401.